The following is an entry in ClinVar:

ClinVar aggregate classification (germline): Uncertain significance (1 of 4 stars; one submission).

Conditions:
Hereditary spastic paraplegia 11. Also called: SPASTIC PARAPLEGIA, AUTOSOMAL RECESSIVE, COMPLICATED, WITH THIN CORPUS CALLOSUM; SPASTIC PARAPLEGIA, AUTOSOMAL RECESSIVE, WITH MENTAL IMPAIRMENT AND THIN CORPUS CALLOSUM; Spastic Paraplegia 11; Spastic paraplegia, mental retardation and thin corpus callosum; Nakamura Osame syndrome; Autosomal recessive hereditary spastic paraplegia, mental impairment, and thin corpus callosum. Identifiers: Orphanet 2822, MedGen C1858479, MONDO:0011445, OMIM 604360.

Submission:

Labcorp Genetics (formerly Invitae), Labcorp
Classification: Uncertain significance for Hereditary spastic paraplegia 11. Last evaluated: 2024-10-13. Review status: criteria provided, single submitter. Criteria: Invitae Variant Classification Sherloc (09022015). Collection method: clinical testing. Allele origin: germline.
Comment: This sequence change replaces arginine, which is basic and polar, with threonine, which is neutral and polar, at codon 525 of the SPG11 protein (p.Arg525Thr). This variant is not present in population databases (gnomAD no frequency). This variant has not been reported in the literature in individuals affected with SPG11-related conditions. Invitae Evidence Modeling of protein sequence and biophysical properties (such as structural, functional, and spatial information, amino acid conservation, physicochemical variation, residue mobility, and thermodynamic stability) indicates that this missense variant is expected to disrupt SPG11 protein function with a positive predictive value of 80%. In summary, the available evidence is currently insufficient to determine the role of this variant in disease. Therefore, it has been classified as a Variant of Uncertain Significance.

NM_025137.4(SPG11):c.1574G>C (p.Arg525Thr)

Gene: SPG11 (SPG11 vesicle trafficking associated, spatacsin; minus strand). Cytogenetic location: 15q21.1.
Variant type: single nucleotide variant.
Coding change: c.1574G>C on transcript NM_025137.4 (MANE Select); coding-DNA position 1574, G replaced by C.
Protein change: p.Arg525Thr; replaces arginine 525 with threonine.
Molecular consequence: missense variant.
Genome position (GRCh38, 1-based): chr15:44,648,894, C>G on the plus strand (G>C on the coding strand, the complement: SPG11 is on the minus strand). VCF-style: chr15-44648894-C-G. GRCh37 (hg19) VCF-style: chr15-44941092-C-G.
Other names: c.1574G>C, p.Arg525Thr (NM_001160227.2, NM_001411132.1); short protein forms R525T.
Identifiers: ClinVar variation 3666793 (VCV003666793.2).
Genomic context (GRCh38, chr15:44,648,894, plus strand): 5'-AAGTAATGTTCTTGGGCATTTAATTCTGTTACCTCTAGTGCATGTATGGGAATTGAGCAC[C>G]TTCCCCAGCCATTGAGATGACAAAGAGTGTCCACAGTGCTGGCACTTCCATGGATCATGA-3'
Protein context (NP_079413.3, residues 515-535): DTLCHLNGWG[Arg525Thr]CSIPIHALEA